The following is an entry in ClinVar:

ClinVar aggregate classification (germline): Uncertain significance (1 of 4 stars; one submission).

Conditions:
Slurred speech. Identifiers: MedGen C0234518, HP:0001350.
Limb ataxia. Identifiers: MedGen C0750937, HP:0002070.

Submission:

Clinical Genetics Laboratory, Skane University Hospital Lund
Classification: Uncertain significance for Limb ataxia; Slurred speech. Last evaluated: 2025-07-07. Review status: criteria provided, single submitter. Criteria: ACMG Guidelines, 2015. Collection method: clinical testing. Allele origin: germline. Affected: yes.
Comment: ACMG criteria used: PM2, PP3

NM_001130438.3(SPTAN1):c.589G>C (p.Asp197His)

Gene: SPTAN1 (spectrin alpha, non-erythrocytic 1; plus strand). Cytogenetic location: 9q34.11.
Variant type: single nucleotide variant.
Coding change: c.589G>C on transcript NM_001130438.3 (MANE Select); coding-DNA position 589, G replaced by C.
Protein change: p.Asp197His; replaces aspartic acid 197 with histidine.
Molecular consequence: missense variant.
Genome position (GRCh38, 1-based): chr9:128,575,283, G>C. VCF-style: chr9-128575283-G-C. GRCh37 (hg19) VCF-style: chr9-131337562-G-C.
Other names: c.589G>C, p.Asp197His (NM_001195532.2, NM_001363759.2, NM_001363765.2 and 5 more transcripts); c.625G>C, p.Asp209His (NM_001375312.2, NM_001375318.1); short protein forms D197H, D209H.
Identifiers: ClinVar variation 3911913 (VCV003911913.1).
Genomic context (GRCh38, chr9:128,575,283, plus strand): 5'-CTGGGCCAGGATCTGGAGCATGTAGAGGTTTTACAGAAGAAATTTGAAGAGTTTCAAACA[G>C]ATATGGCTGCTCATGAAGAAAGAGTTAATGAAGTGAACCAGTTTGCTGCCAAACTCATAC-3'
Protein context (NP_001123910.1, residues 187-207): LQKKFEEFQT[Asp197His]MAAHEERVNE